The following is an entry in ClinVar:

NM_001103.4(ACTN2):c.1515+47C>T

Gene: ACTN2 (actinin alpha 2; plus strand). Cytogenetic location: 1q43.
Variant type: single nucleotide variant.
Coding change: c.1515+47C>T on transcript NM_001103.4 (MANE Select); 47 bases into the intron after coding-DNA position 1515, C replaced by T.
Molecular consequence: intron variant.
Genome position (GRCh38, 1-based): chr1:236,747,822, C>T. VCF-style: chr1-236747822-C-T. GRCh37 (hg19) VCF-style: chr1-236911122-C-T.
Other names: c.891+47C>T (NM_001278344.2); c.1515+47C>T (NM_001278343.2).
Identifiers: ClinVar variation 671289 (VCV000671289.2), dbSNP rs79971593, ClinGen allele CA1473181.

ClinVar aggregate classification (germline): Benign. Review status: criteria provided, multiple submitters, no conflicts (2 of 4 stars). 2 submissions from 2 submitters: Benign (2). Last evaluated 2018-06-19.

Allele frequency attached by ClinVar (database versions not stated): ESP Exome Variant Server 0.03237; TOPMed 0.04316; gnomAD 0.04341 and 0.04668; gnomAD exomes 0.06449; ExAC 0.06732; 1000 Genomes Project 30x 0.07542; 1000 Genomes Project 0.07827.
gnomAD v4.1: 62,007 of 1,400,328 alleles (4.4%); highest among the groups gnomAD compares: East Asian, 14%; 1,965 homozygotes.

Submissions (2):

GeneDx
Classification: Benign. Last evaluated: 2018-06-19. Review status: criteria provided, single submitter. Criteria: GeneDx Variant Classification (06012015). Collection method: clinical testing. Allele origin: germline. Affected: yes.
Comment: This variant is considered likely benign or benign based on one or more of the following criteria: it is a conservative change, it occurs at a poorly conserved position in the protein, it is predicted to be benign by multiple in silico algorithms, and/or has population frequency not consistent with disease.

Breakthrough Genomics
Classification: Benign. Review status: criteria provided, single submitter. Criteria: ACMG Guidelines, 2015. Collection method: not provided. Allele origin: germline. Inheritance: Autosomal dominant inheritance. Affected: yes.